The following is an entry in ClinVar:

ClinVar aggregate classification (germline): Uncertain significance (1 of 4 stars; one submission).

Submission:

Labcorp Genetics (formerly Invitae), Labcorp
Classification: Uncertain significance. Last evaluated: 2024-03-12. Review status: criteria provided, single submitter. Criteria: Invitae Variant Classification Sherloc (09022015). Collection method: clinical testing. Allele origin: germline.
Comment: This sequence change replaces arginine, which is basic and polar, with glycine, which is neutral and non-polar, at codon 464 of the GUCY2C protein (p.Arg464Gly). This variant is not present in population databases (gnomAD no frequency). This variant has not been reported in the literature in individuals affected with GUCY2C-related conditions. Advanced modeling of protein sequence and biophysical properties (such as structural, functional, and spatial information, amino acid conservation, physicochemical variation, residue mobility, and thermodynamic stability) performed at Invitae indicates that this missense variant is not expected to disrupt GUCY2C protein function with a negative predictive value of 80%. In summary, the available evidence is currently insufficient to determine the role of this variant in disease. Therefore, it has been classified as a Variant of Uncertain Significance.

NM_004963.4(GUCY2C):c.1390C>G (p.Arg464Gly)

Gene: GUCY2C (guanylate cyclase 2C; minus strand). Cytogenetic location: 12p12.3.
Variant type: single nucleotide variant.
Coding change: c.1390C>G on transcript NM_004963.4 (MANE Select); coding-DNA position 1390, C replaced by G.
Protein change: p.Arg464Gly; replaces arginine 464 with glycine.
Molecular consequence: missense variant.
Genome position (GRCh38, 1-based): chr12:14,656,592, G>C on the plus strand (C>G on the coding strand, the complement: GUCY2C is on the minus strand). VCF-style: chr12-14656592-G-C. GRCh37 (hg19) VCF-style: chr12-14809526-G-C.
Other names: short protein forms R464G.
Identifiers: ClinVar variation 3643445 (VCV003643445.2).
Genomic context (GRCh38, chr12:14,656,592, plus strand): 5'-TCTCATTGGTCTCCAGAGGAAAGATATTTTCAGGAGGAATGTGGGACCATTTTTTCTGAC[G>C]AAGTTCATAATCTTTTCTATATTTTCTGTGAAAGGAATAAAACTGGTCAATAGGTTTTTA-3'
Protein context (NP_004954.2, residues 454-474): LRKYRKDYEL[Arg464Gly]QKKWSHIPPE